The following is an entry in ClinVar:

ClinVar aggregate classification (germline): Uncertain significance (1 of 4 stars; one submission).

Conditions:
Hereditary cancer-predisposing syndrome. Also called: Tumor predisposition; Hereditary Cancer Syndrome; Neoplastic Syndromes, Hereditary; Hereditary neoplastic syndrome. Identifiers: Orphanet 140162, MedGen C0027672, MeSH D009386, MONDO:0015356.

Submission:

Ambry Genetics
Classification: Uncertain significance for Hereditary cancer-predisposing syndrome. Last evaluated: 2023-03-01. Review status: criteria provided, single submitter. Criteria: Ambry Variant Classification Scheme 2023. Collection method: clinical testing. Allele origin: germline.
Comment: The p.T303P variant (also known as c.907A>C), located in coding exon 8 of the BMPR1A gene, results from an A to C substitution at nucleotide position 907. The threonine at codon 303 is replaced by proline, an amino acid with highly similar properties. This amino acid position is highly conserved in available vertebrate species. In addition, the in silico prediction by BayesDel for this alteration is inconclusive. Since supporting evidence is limited at this time, the clinical significance of this alteration remains unclear.

NM_004329.3(BMPR1A):c.907A>C (p.Thr303Pro)

Gene: BMPR1A (bone morphogenetic protein receptor type 1A; plus strand). Cytogenetic location: 10q23.2.
Variant type: single nucleotide variant.
Coding change: c.907A>C on transcript NM_004329.3 (MANE Select); coding-DNA position 907, A replaced by C.
Protein change: p.Thr303Pro; replaces threonine 303 with proline.
Molecular consequence: missense variant.
Genome position (GRCh38, 1-based): chr10:86,919,210, A>C. VCF-style: chr10-86919210-A-C. GRCh37 (hg19) VCF-style: chr10-88678967-A-C.
Other names: short protein forms T303P.
Identifiers: ClinVar variation 822985 (VCV000822985.5), dbSNP rs1554891025, ClinGen allele CA377459989.
Genomic context (GRCh38, chr10:86,919,210, plus strand): 5'-TTTAAACTCATCAACTGGACAGGTTTCATAGCGGCAGACATTAAAGGTACAGGTTCCTGG[A>C]CTCAGCTCTATTTGATTACTGATTACCATGAAAATGGATCTCTCTATGACTTCCTGAAAT-3'
Protein context (NP_004320.2, residues 293-313): AADIKGTGSW[Thr303Pro]QLYLITDYHE